The following is an entry in ClinVar:

ClinVar aggregate classification (germline): Uncertain significance. Review status: criteria provided, multiple submitters, no conflicts (2 of 4 stars). 3 submissions from 3 submitters: Uncertain significance (3). Last evaluated 2024-11-21.

Conditions:
Hereditary nonpolyposis colorectal neoplasms. Identifiers: MedGen C0009405, MeSH D003123.
Lynch syndrome 4 (LYNCH4). Also called: Colorectal cancer, hereditary nonpolyposis, type 4; Hereditary non-polyposis colorectal cancer, type 4. Identifiers: Orphanet 144, MedGen C1838333, MONDO:0013699, OMIM 614337. Disease mechanism: loss of function.

gnomAD v4.1: 1 of 1,611,684 alleles (0.000062%); highest among the groups gnomAD compares: African/African-American, 0.0013%; no homozygotes.

Submissions (3):

Molecular Pathology, Peter Maccallum Cancer Centre
Classification: Uncertain significance for Lynch syndrome 4. Last evaluated: 2024-11-21. Review status: criteria provided, single submitter. Criteria: ACMG Guidelines, 2015. Collection method: clinical testing. Allele origin: germline. Inheritance: Autosomal dominant inheritance.

Baylor Genetics
Classification: Uncertain significance for Lynch syndrome 4. Last evaluated: 2023-08-24. Review status: criteria provided, single submitter. Criteria: ACMG Guidelines, 2015. Collection method: clinical testing. Allele origin: unknown.

Labcorp Genetics (formerly Invitae), Labcorp
Classification: Uncertain significance for Hereditary nonpolyposis colorectal neoplasms. Last evaluated: 2022-09-03. Review status: criteria provided, single submitter. Criteria: Invitae Variant Classification Sherloc (09022015). Collection method: clinical testing. Allele origin: germline.
Comment: In summary, the available evidence is currently insufficient to determine the role of this variant in disease. Therefore, it has been classified as a Variant of Uncertain Significance. Advanced modeling of protein sequence and biophysical properties (such as structural, functional, and spatial information, amino acid conservation, physicochemical variation, residue mobility, and thermodynamic stability) performed at Invitae indicates that this missense variant is not expected to disrupt PMS2 protein function. ClinVar contains an entry for this variant (Variation ID: 1002802). This variant has not been reported in the literature in individuals affected with PMS2-related conditions. This variant is not present in population databases (gnomAD no frequency). This sequence change replaces proline, which is neutral and non-polar, with arginine, which is basic and polar, at codon 150 of the PMS2 protein (p.Pro150Arg).

NM_000535.7(PMS2):c.449C>G (p.Pro150Arg)

Gene: PMS2 (PMS1 homolog 2, mismatch repair system component; minus strand). Cytogenetic location: 7p22.1.
Variant type: single nucleotide variant.
Coding change: c.449C>G on transcript NM_000535.7 (MANE Select); coding-DNA position 449, C replaced by G.
Protein change: p.Pro150Arg; replaces proline 150 with arginine.
Molecular consequence: missense variant. On other transcripts: 5 prime UTR variant (2), non-coding transcript variant (1).
Genome position (GRCh38, 1-based): chr7:6,002,541, G>C on the plus strand (C>G on the coding strand, the complement: PMS2 is on the minus strand). VCF-style: chr7-6002541-G-C. GRCh37 (hg19) VCF-style: chr7-6042172-G-C.
Other names: c.44C>G, p.Pro15Arg (NM_001322003.2, NM_001322004.2, NM_001322005.2 and 3 more transcripts); c.449C>G, p.Pro150Arg (NM_001322006.2, NM_001322014.2); c.131C>G, p.Pro44Arg (NM_001322007.2, NM_001322008.2); c.-436C>G (NM_001322011.2, NM_001322012.2); c.140C>G, p.Pro47Arg (NM_001322015.2); c.449C>G (NM_000535.5); short protein forms P150R, P15R, P44R, P47R.
Identifiers: ClinVar variation 1002802 (VCV001002802.12), dbSNP rs778119115, ClinGen allele CA366744325.
Genomic context (GRCh38, chr7:6,002,541, plus strand): 5'-TGGCGCACAGGTAGTGTGGAAAATAACTGCTGCACGCTGACTGTGGTCCCTCTGGGGCGG[G>C]GGTAGGGGGTTTTCTGGATAATTTTCCCATTGTGATCAAACATCAGTCGAGTTCCAACCT-3'
Protein context (NP_000526.2, residues 140-160): NGKIIQKTPY[Pro150Arg]RPRGTTVSVQ